The following is an entry in ClinVar:

NM_000552.5(VWF):c.409G>T (p.Val137Leu)

Gene: VWF (von Willebrand factor; minus strand). Cytogenetic location: 12p13.31.
Variant type: single nucleotide variant.
Coding change: c.409G>T on transcript NM_000552.5 (MANE Select); coding-DNA position 409, G replaced by T.
Protein change: p.Val137Leu; replaces valine 137 with leucine.
Molecular consequence: missense variant.
Genome position (GRCh38, 1-based): chr12:6,110,497, C>A on the plus strand (G>T on the coding strand, the complement: VWF is on the minus strand). VCF-style: chr12-6110497-C-A. GRCh37 (hg19) VCF-style: chr12-6219663-C-A.
Other names: p.Val137Leu; short protein forms V137L.
Identifiers: ClinVar variation 2682111 (VCV002682111.6), dbSNP rs71582882, ClinGen allele CA6403809.

ClinVar aggregate classification (germline): Conflicting classifications of pathogenicity. Review status: criteria provided, conflicting classifications (1 of 4 stars). 3 submissions from 3 submitters: Uncertain significance (2); Likely benign (1). Last evaluated 2026-01-16.

Allele frequency attached by ClinVar (database versions not stated): gnomAD exomes 0.00009; ExAC 0.00030; 1000 Genomes Project 0.00060; 1000 Genomes Project 30x 0.00062; gnomAD 0.00100; TOPMed 0.00127; ESP Exome Variant Server 0.00131.
gnomAD v4.1: 291 of 1,614,176 alleles (0.018%); highest among the groups gnomAD compares: African/African-American, 0.33%; 2 homozygotes.

Submissions (3):

Women's Health and Genetics/Laboratory Corporation of America, LabCorp
Classification: Uncertain significance. Last evaluated: 2026-01-16. Review status: criteria provided, single submitter. Criteria: LabCorp Variant Classification Summary - May 2015. Collection method: clinical testing. Allele origin: germline.
Comment: Variant summary: VWF c.409G>T (p.Val137Leu) results in a conservative amino acid change located in the von Willebrand factor (vWF) type D domain of the encoded protein sequence. Algorithms developed to predict the effect of missense changes on protein structure and function all suggest that this variant is likely to be tolerated. The variant allele was found at a frequency of 0.00026 in 251494 control chromosomes. This frequency is not significantly higher than estimated for disease-causing variants in VWF, allowing no conclusion about variant significance. c.409G>T has been observed in individual(s) affected with Atypical hemolytic uremic syndrome without strong evidence for causality (Connaughton_2023) . These report(s) do not provide unequivocal conclusions about association of the variant with Von Willebrand Disease. To our knowledge, no experimental evidence demonstrating an impact on protein function has been reported. The following publication has been ascertained in the context of this evaluation (PMID: 37466676). ClinVar contains an entry for this variant (Variation ID: 2682111). Based on the evidence outlined above, the variant was classified as uncertain significance.

Mayo Clinic Laboratories, Mayo Clinic
Classification: Likely benign. Last evaluated: 2025-02-05. Review status: criteria provided, single submitter. Criteria: ACMG Guidelines, 2015. Collection method: clinical testing. Allele origin: germline. Observed: 1 variant allele.
Comment: BS1_moderate, BP4

Quest Diagnostics Nichols Institute San Juan Capistrano
Classification: Uncertain significance. Last evaluated: 2023-02-09. Review status: criteria provided, single submitter. Criteria: Quest Diagnostics criteria. Collection method: clinical testing. Allele origin: unknown.
Comment: This variant has not been reported in the published literature. The frequency of this variant in the general population, 0.0034 (84/24966 chromosomes), is uninformative in assessment of its pathogenicity. Analysis of this variant using bioinformatics tools for the prediction of the effect of amino acid changes on protein structure and function yielded predictions that this variant is benign. Based on the available information, we are unable to determine the clinical significance of this variant.

Literature cited by the submitters: PubMed 37466676 (cited by Women's Health and Genetics/Laboratory Corporation of America, LabCorp).